The following is an entry in ClinVar:

ClinVar aggregate classification (germline): Likely pathogenic (1 of 4 stars; one submission).

Conditions:
Treacher Collins syndrome 1 (TCS1). Also called: TCOF1-Related Treacher Collins Syndrome. Identifiers: Orphanet 861, MedGen CN315775, MONDO:0007944, OMIM 154500.

Submission:

Victorian Clinical Genetics Services, Murdoch Childrens Research Institute
Classification: Likely pathogenic for Treacher Collins syndrome 1. Last evaluated: 2026-05-20. Review status: criteria provided, single submitter. Criteria: ACMG Guidelines, 2015. Collection method: clinical testing. Allele origin: germline.
Comment: This variant is classified as Likely pathogenic. Evidence in support of pathogenic classification: Variant is predicted to cause nonsense-mediated decay (NMD) and loss of protein (premature termination codon is located at least 54 nucleotides upstream of the final exon-exon junction); Variant is absent from gnomAD (v2, v3 and v4); Other NMD-predicted variants comparable to the one identified in this case have strong previous evidence for pathogenicity. NMD-predicted variants starting in exon 7 (also referred to as exon 6A) have been classified as likely pathogenic or pathogenic in ClinVar and have been reported in three unrelated families in the literature with Treacher Collins syndrome (PMIDs: 25790162, 31307516, 29230583); Additional information: This variant is non-coding in an alternative transcript. It is non-coding in 3/8 transcripts in UCSC; this exon is also referred to as exon 6A in the literature (PMID: 15019983); This variant is heterozygous; This gene is associated with autosomal dominant disease; This variant has no previous evidence of pathogenicity; No published evidence of segregation with disease has been identified for this variant; No published functional evidence has been identified for this variant; Loss of function is a known mechanism of disease in this gene and is associated with Treacher Collins syndrome 1 (MIM#154500); The condition associated with this gene has incomplete penetrance (PMID: 20301704); Variants in this gene are known to have variable expressivity. Significant inter-familial and intra-familial variability have been reported (PMID: 20301704).

Literature cited by the submitters: PubMed 20301704; PubMed 25790162; PubMed 31307516; PubMed 29230583; PubMed 15019983.

NM_001371623.1(TCOF1):c.835_845dup (p.Ala283fs)

Gene: TCOF1 (treacle ribosome biogenesis factor 1; plus strand). Cytogenetic location: 5q32.
Variant type: Duplication.
Coding change: c.835_845dup on transcript NM_001371623.1 (MANE Select); coding-DNA positions 835 to 845, 11 bases duplicated (AGTGAGGAGGA).
Protein change: p.Ala283fs; shifts the reading frame from alanine 283.
Molecular consequence: frameshift variant. On other transcripts: intron variant (3).
Genome position (GRCh38, 1-based): chr5:150,372,201-150,372,211, AGTGAGGAGGA duplicated; duplicating any 11 consecutive bases within chr5:150,372,200-150,372,211 gives the same sequence; the c. name uses the placement nearest the transcript's 3' end. VCF-style (leftmost placement, unchanged base first): chr5-150372199-A-AAAGTGAGGAGG. GRCh37 (hg19) VCF-style: chr5-149751762-A-AAAGTGAGGAGG.
Other names: c.835_845dup, p.Ala283fs (NM_001008657.3, NM_001135243.2, NM_001135244.2 and 1 more transcripts); c.640-1973_640-1963dup (NM_001437406.1, NM_001135245.2, NM_000356.4); short protein forms A283fs.
Identifiers: ClinVar variation 4879731 (VCV004879731.1).